The following is an entry in ClinVar:

ClinVar aggregate classification (germline): Uncertain significance. Review status: criteria provided, multiple submitters, no conflicts (2 of 4 stars). 4 submissions from 4 submitters: Uncertain significance (4). Last evaluated 2025-10-14.

Conditions:
Aortic aneurysm, familial thoracic 7 (AAT7). Also called: AORTIC DISSECTION, FAMILIAL, WITH OR WITHOUT AORTIC ANEURYSM. Identifiers: MedGen C3151077, MONDO:0013418, OMIM 613780.
Megacystis-microcolon-intestinal hypoperistalsis syndrome 1. Identifiers: MedGen C5542316, MONDO:0100354, OMIM 249210.

Submissions (4):

Labcorp Genetics (formerly Invitae), Labcorp
Classification: Uncertain significance for Aortic aneurysm, familial thoracic 7. Last evaluated: 2025-10-14. Review status: criteria provided, single submitter. Criteria: Invitae Variant Classification Sherloc (09022015). Collection method: clinical testing. Allele origin: germline.
Comment: This variant, c.3131_3166del, results in the deletion of 12 amino acid(s) of the MYLK protein (p.Ala1044_Pro1055del), but otherwise preserves the integrity of the reading frame. This variant is present in population databases (no rsID available, gnomAD 0.006%). This variant has not been reported in the literature in individuals affected with MYLK-related conditions. ClinVar contains an entry for this variant (Variation ID: 946093). Experimental studies and prediction algorithms are not available or were not evaluated, and the functional significance of this variant is currently unknown. In summary, the available evidence is currently insufficient to determine the role of this variant in disease. Therefore, it has been classified as a Variant of Uncertain Significance.

ARUP Laboratories, Molecular Genetics and Genomics, ARUP Laboratories
Classification: Uncertain significance. Last evaluated: 2025-05-29. Review status: criteria provided, single submitter. Criteria: ARUP Molecular Germline Variant Investigation Process 2024. Collection method: clinical testing. Allele origin: germline.
Comment: The MYLK c.3131_3166del; p.Ala1044_Pro1055del variant (rs1560093606), to our knowledge, is not reported in the medical literature but is reported in ClinVar (Variation ID: 946093). This variant is only observed on one allele in the Genome Aggregation Database (v2.1.1), indicating it is not a common polymorphism. This variant deletes 12 amino acid residues leaving the rest of the protein in-frame. However, given the lack of clinical and functional data, the significance of this variant is uncertain at this time.

Women's Health and Genetics/Laboratory Corporation of America, LabCorp
Classification: Uncertain significance. Last evaluated: 2024-07-15. Review status: criteria provided, single submitter. Criteria: LabCorp Variant Classification Summary - May 2015. Collection method: clinical testing. Allele origin: germline.
Comment: Variant summary: MYLK c.3131_3166del36 (p.Ala1044_Pro1055del) results in an in-frame deletion that is predicted to remove 12 amino acids from the encoded protein. The frequency data for this variant in gnomAD is considered unreliable, as metrics indicate poor data quality at this position. To our knowledge, no occurrence of c.3131_3166del36 in individuals affected with Aortopathy and no experimental evidence demonstrating its impact on protein function have been reported. ClinVar contains an entry for this variant (Variation ID: 946093). Based on the evidence outlined above, the variant was classified as uncertain significance.

Fulgent Genetics
Classification: Uncertain significance for Megacystis-microcolon-intestinal hypoperistalsis syndrome 1; Aortic aneurysm, familial thoracic 7. Last evaluated: 2021-09-12. Review status: criteria provided, single submitter. Criteria: ACMG Guidelines, 2015. Collection method: clinical testing. Allele origin: unknown.

NM_053025.4(MYLK):c.3131_3166del (p.1032AETLKPMGNAKP[1])

Gene: MYLK (myosin light chain kinase; minus strand). Cytogenetic location: 3q21.1.
Variant type: Deletion.
Coding change: c.3131_3166del on transcript NM_053025.4 (MANE Select); coding-DNA positions 3131 to 3166, 36 bases deleted.
Protein change: p.1032AETLKPMGNAKP[1].
Molecular consequence: inframe deletion.
Genome position (GRCh38, 1-based): chr3:123,700,302-123,700,337, 36 bases deleted; deleting any 36 consecutive bases within chr3:123,700,302-123,700,347 gives the same sequence; the c. name uses the placement nearest the transcript's 3' end. GRCh37 (hg19): chr3:123,419,159-123,419,194.
Other names: c.2603_2638del, p.856AETLKPMGNAKP[1] (NM_001321309.2); c.2924_2959del, p.963AETLKPMGNAKP[1] (NM_053026.4, NM_053028.4); c.3131_3166del, p.1032AETLKPMGNAKP[1] (NM_053027.4); c.3131_3166del36 (NM_053025.4).
Identifiers: ClinVar variation 946093 (VCV000946093.8), dbSNP rs1560093606, ClinGen allele CA2577963.
Genomic context (GRCh38, chr3:123,700,301, plus strand): 5'-TTCACATCATTCTTAACGTCTTTCTTGAGTTCTTCTTTGCTAGCGGATTTCAGGTTCTCA[TCAGGCTTGGCATTGCCCATGGGCTTCAGGGTCTCGG>T]CAGGCTTGGCGTTGCCCATTGGCTTCAGGGTCTCAGCAGGCTTGGCGTTGCCCACGGGTT-3'